The following is an entry in ClinVar:

NM_018406.7(MUC4):c.8325C>G (p.Ser2775=)

Gene: MUC4 (mucin 4, cell surface associated). Cytogenetic location: 3q29.
Variant type: single nucleotide variant.
Coding change: c.8325C>G on transcript NM_018406.7 (MANE Select); coding-DNA position 8325, C replaced by G.
Protein change: p.Ser2775=; no amino-acid change (serine 2775 retained).
Molecular consequence: synonymous variant. On other transcripts: intron variant (2).
Genome position (GRCh38, 1-based): chr3:195,783,255, G>C on the plus strand (C>G on the coding strand, the complement: MUC4 is on the minus strand). VCF-style: chr3-195783255-G-C. GRCh37 (hg19) VCF-style: chr3-195510126-G-C.
Other names: c.83-4800C>G (NM_004532.6); c.83-8950C>G (NM_138297.5).
Identifiers: ClinVar variation 3388622 (VCV003388622.14).

ClinVar aggregate classification (germline): Likely benign (1 of 4 stars; one submission).

Submission:

CeGaT Center for Human Genetics Tuebingen
Classification: Likely benign. Last evaluated: 2024-10-01. Review status: criteria provided, single submitter. Criteria: CeGaT Center For Human Genetics Tuebingen Variant Classification Criteria Version 2. Collection method: clinical testing. Allele origin: germline. Affected: yes. Observed: 1 variant allele.
Comment: MUC4: BP4, BP7